The following is an entry in ClinVar:

ClinVar aggregate classification (germline): Conflicting classifications of pathogenicity. Review status: criteria provided, conflicting classifications (1 of 4 stars). 4 submissions from 4 submitters: Uncertain significance (3); Likely benign (1). Last evaluated 2025-08-28.

Conditions:
Hereditary cancer-predisposing syndrome. Also called: Hereditary Cancer Syndrome; Neoplastic Syndromes, Hereditary; Tumor predisposition; Hereditary neoplastic syndrome. Identifiers: Orphanet 140162, MedGen C0027672, MeSH D009386, MONDO:0015356.
Hereditary nonpolyposis colorectal neoplasms. Identifiers: MedGen C0009405, MeSH D003123.

Allele frequency attached by ClinVar (database versions not stated): gnomAD exomes below 0.00001; TOPMed 0.00001.
gnomAD v4.1: 1 of 1,614,188 alleles (0.000062%); highest among the groups gnomAD compares: East Asian, 0.0022%; no homozygotes.

Submissions (4):

Color Diagnostics, LLC DBA Color Health
Classification: Uncertain significance for Hereditary cancer-predisposing syndrome. Last evaluated: 2025-08-28. Review status: criteria provided, single submitter. Criteria: ACMG Guidelines, 2015. Collection method: clinical testing. Allele origin: germline.
Comment: This missense variant replaces lysine with glutamic acid at codon 610 of the MSH6 protein. Computational prediction is inconclusive regarding the impact of this variant on protein structure and function. To our knowledge, functional studies have not been reported for this variant. This variant has been reported in an individual affected with endometrial cancer whose tumor was microsatellite stable (PMID: 31307542). This variant has been identified in 1/250562 chromosomes in the general population by the Genome Aggregation Database (gnomAD). The available evidence is insufficient to determine the role of this variant in disease conclusively. Therefore, this variant is classified as a Variant of Uncertain Significance.

Ambry Genetics
Classification: Uncertain significance for Hereditary cancer-predisposing syndrome. Last evaluated: 2025-07-03. Review status: criteria provided, single submitter. Criteria: Ambry Variant Classification Scheme 2023. Collection method: clinical testing. Allele origin: germline.
Comment: The p.K610E variant (also known as c.1828A>G), located in coding exon 4 of the MSH6 gene, results from an A to G substitution at nucleotide position 1828. The lysine at codon 610 is replaced by glutamic acid, an amino acid with similar properties. This alteration was reported in 2/111 unselected Chinese patients with endometrial cancer (Chao X et al. Cancer Commun (Lond), 2019 Jul;39:42). This amino acid position is well conserved in available vertebrate species. In addition, this alteration is predicted to be deleterious by in silico analysis. Since supporting evidence is limited at this time, the clinical significance of this alteration remains unclear.

Labcorp Genetics (formerly Invitae), Labcorp
Classification: Likely benign for Hereditary nonpolyposis colorectal neoplasms. Last evaluated: 2023-06-07. Review status: criteria provided, single submitter. Criteria: Invitae Variant Classification Sherloc (09022015). Collection method: clinical testing. Allele origin: germline.

GeneDx
Classification: Uncertain significance. Last evaluated: 2019-06-12. Review status: criteria provided, single submitter. Criteria: GeneDx Variant Classification Process June 2021. Collection method: clinical testing. Allele origin: germline. Affected: yes.
Comment: Not observed at a significant frequency in large population cohorts (Lek et al., 2016); In silico analysis, which includes protein predictors and evolutionary conservation, supports that this variant does not alter protein structure/function; Has not been previously published as pathogenic or benign to our knowledge

Literature cited by the submitters: PubMed 31307542 (cited by Color Diagnostics, LLC DBA Color Health and Ambry Genetics).

NM_000179.3(MSH6):c.1828A>G (p.Lys610Glu)

Gene: MSH6 (mutS homolog 6; plus strand). Cytogenetic location: 2p16.3.
Variant type: single nucleotide variant.
Coding change: c.1828A>G on transcript NM_000179.3 (MANE Select); coding-DNA position 1828, A replaced by G.
Protein change: p.Lys610Glu; replaces lysine 610 with glutamic acid.
Molecular consequence: missense variant.
Genome position (GRCh38, 1-based): chr2:47,799,811, A>G. VCF-style: chr2-47799811-A-G. GRCh37 (hg19) VCF-style: chr2-48026950-A-G.
Other names: c.1438A>G, p.Lys480Glu (NM_001281492.2); c.922A>G, p.Lys308Glu (NM_001281493.2, NM_001281494.2); short protein forms K610E, K308E, K480E.
Identifiers: ClinVar variation 489971 (VCV000489971.16), dbSNP rs1172760455, ClinGen allele CA346749502.